The following is an entry in ClinVar:

ClinVar aggregate classification (germline): Uncertain significance (1 of 4 stars; one submission).

gnomAD v4.1: 2 of 1,610,790 alleles (0.00012%); highest among the groups gnomAD compares: Non-Finnish European, 0.00017%; no homozygotes.

Submission:

CeGaT Center for Human Genetics Tuebingen
Classification: Uncertain significance. Last evaluated: 2024-10-01. Review status: criteria provided, single submitter. Criteria: CeGaT Center For Human Genetics Tuebingen Variant Classification Criteria Version 2. Collection method: clinical testing. Allele origin: germline. Affected: yes. Observed: 1 variant allele.
Comment: ARSG: PM2

NM_001267727.2(ARSG):c.167C>T (p.Ala56Val)

Gene: ARSG (arylsulfatase G; plus strand). Cytogenetic location: 17q24.2.
Variant type: single nucleotide variant.
Coding change: c.167C>T on transcript NM_001267727.2 (MANE Select); coding-DNA position 167, C replaced by T.
Protein change: p.Ala56Val; replaces alanine 56 with valine.
Molecular consequence: missense variant.
Genome position (GRCh38, 1-based): chr17:68,307,660, C>T. VCF-style: chr17-68307660-C-T. GRCh37 (hg19) VCF-style: chr17-66303801-C-T.
Other names: c.167C>T, p.Ala56Val (NM_001352899.2, NM_001352900.2, NM_001352901.2 and 9 more transcripts); short protein forms A56V.
Identifiers: ClinVar variation 3389890 (VCV003389890.14).